The following is an entry in ClinVar:

NM_000350.3(ABCA4):c.1922G>C (p.Cys641Ser)

Gene: ABCA4 (ATP binding cassette subfamily A member 4; minus strand). Cytogenetic location: 1p22.1.
Variant type: single nucleotide variant.
Coding change: c.1922G>C on transcript NM_000350.3 (MANE Select); coding-DNA position 1922, G replaced by C.
Protein change: p.Cys641Ser; replaces cysteine 641 with serine.
Molecular consequence: missense variant.
Genome position (GRCh38, 1-based): chr1:94,062,592, C>G on the plus strand (G>C on the coding strand, the complement: ABCA4 is on the minus strand). VCF-style: chr1-94062592-C-G. GRCh37 (hg19) VCF-style: chr1-94528148-C-G.
Other names: c.1922G>C, p.Cys641Ser (NM_001425324.1); short protein forms C641S.
Identifiers: ClinVar variation 99100 (VCV000099100.5), dbSNP rs61749416, ClinGen allele CA226956.
Genomic context (GRCh38, chr1:94,062,592, plus strand): 5'-CCCCATTAGCGTGTCATGGAGGAGGATCGCGAACTTCAGACTCACGAATCGTCCACGAAG[C>G]AGGGGTAGGGCATCTGCTGGAGGTAGATTCCAACTGGAGCCTCCGCCTGCACCTGGCTCC-3'
Protein context (NP_000341.2, residues 631-651): GIYLQQMPYP[Cys641Ser]FVDDSFMIIL

ClinVar aggregate classification (germline): Conflicting classifications of pathogenicity. Review status: criteria provided, conflicting classifications (1 of 4 stars). 3 submissions from 3 submitters: Likely pathogenic (1); Uncertain significance (1). 1 of the submissions does not count toward it. Last evaluated 2023-12-30.

Allele frequency attached by ClinVar (database versions not stated): gnomAD exomes below 0.00001.
gnomAD v4.1: 5 of 1,614,166 alleles (0.00031%); highest among the groups gnomAD compares: Non-Finnish European, 0.00042%; no homozygotes.

Submissions (3):

Labcorp Genetics (formerly Invitae), Labcorp
Classification: Likely pathogenic. Last evaluated: 2023-12-30. Review status: criteria provided, single submitter. Criteria: Invitae Variant Classification Sherloc (09022015). Collection method: clinical testing. Allele origin: germline.
Comment: This sequence change replaces cysteine, which is neutral and slightly polar, with serine, which is neutral and polar, at codon 641 of the ABCA4 protein (p.Cys641Ser). This variant is not present in population databases (gnomAD no frequency). This missense change has been observed in individual(s) with clinical features of ABCA4-related conditions (PMID: 11702214, 23953153, 23982839, 29925512, 36460718). ClinVar contains an entry for this variant (Variation ID: 99100). Advanced modeling of protein sequence and biophysical properties (such as structural, functional, and spatial information, amino acid conservation, physicochemical variation, residue mobility, and thermodynamic stability) performed at Invitae indicates that this missense variant is expected to disrupt ABCA4 protein function with a positive predictive value of 95%. In summary, the currently available evidence indicates that the variant is pathogenic, but additional data are needed to prove that conclusively. Therefore, this variant has been classified as Likely Pathogenic.

Blueprint Genetics
Classification: Uncertain significance. Last evaluated: 2023-04-04. Review status: criteria provided, single submitter. Criteria: ACMG Guidelines, 2015. Collection method: clinical testing. Allele origin: germline.

Retina International
No classification provided. Review status: no classification provided. Collection method: not provided. Allele origin: not provided. Not counted in ClinVar's aggregate classification.

Literature cited by the submitters: PubMed 11702214 (cited by Labcorp Genetics (formerly Invitae), Labcorp); PubMed 23953153 (cited by Labcorp Genetics (formerly Invitae), Labcorp); PubMed 23982839 (cited by Labcorp Genetics (formerly Invitae), Labcorp); PubMed 29925512 (cited by Labcorp Genetics (formerly Invitae), Labcorp); PubMed 36460718 (cited by Labcorp Genetics (formerly Invitae), Labcorp).